The following is an entry in ClinVar:

NM_016277.5(RAB23):c.156-1G>C

Gene: RAB23 (RAB23, member RAS oncogene family; minus strand). Cytogenetic location: 6p11.2.
Variant type: single nucleotide variant.
Coding change: c.156-1G>C on transcript NM_016277.5 (MANE Select); the canonical splice acceptor site of the intron before coding-DNA position 156, G replaced by C.
Molecular consequence: splice acceptor variant.
Genome position (GRCh38, 1-based): chr6:57,207,714, C>G on the plus strand (G>C on the coding strand, the complement: RAB23 is on the minus strand). VCF-style: chr6-57207714-C-G. GRCh37 (hg19) VCF-style: chr6-57072512-C-G.
Other names: c.156-1G>C (NM_001278666.2, NM_001278667.2, NM_001278668.2 and 1 more transcripts).
Identifiers: ClinVar variation 1347492 (VCV001347492.6), dbSNP rs373724159, ClinGen allele CA364626807.
Genomic context (GRCh38, chr6:57,207,714, plus strand): 5'-TCAAATTCCTCCTGACCTGCAGTGTCCCATAACATTAGTCTGACATCTTCATCATTAACT[C>G]TAAAACAAGAGATGAATTTATTTCATATGTAAAGGAAAATGTTTTTGGTAATATAGCTTT-3'

ClinVar aggregate classification (germline): Likely pathogenic (1 of 4 stars; one submission).

Conditions:
Carpenter syndrome. Identifiers: Orphanet 65759, MedGen C1275078, MONDO:0019012.

gnomAD v4.1: 5 of 1,571,906 alleles (0.00032%); highest among the groups gnomAD compares: Non-Finnish European, 0.00044%; no homozygotes.

Submission:

Labcorp Genetics (formerly Invitae), Labcorp
Classification: Likely pathogenic for Carpenter syndrome. Last evaluated: 2021-09-15. Review status: criteria provided, single submitter. Criteria: Invitae Variant Classification Sherloc (09022015). Collection method: clinical testing. Allele origin: germline.
Comment: This sequence change affects an acceptor splice site in intron 2 of the RAB23 gene. It is expected to disrupt RNA splicing. Variants that disrupt the donor or acceptor splice site typically lead to a loss of protein function (PMID: 16199547), and loss-of-function variants in RAB23 are known to be pathogenic (PMID: 17503333, 21412941). This variant is not present in population databases (ExAC no frequency). This variant has not been reported in the literature in individuals affected with RAB23-related conditions. Algorithms developed to predict the effect of sequence changes on RNA splicing suggest that this variant may disrupt the consensus splice site. In summary, the currently available evidence indicates that the variant is pathogenic, but additional data are needed to prove that conclusively. Therefore, this variant has been classified as Likely Pathogenic.

Literature cited by the submitters: PubMed 16199547; PubMed 17503333; PubMed 21412941.